The following is an entry in ClinVar:

ClinVar aggregate classification (germline): Uncertain significance (1 of 4 stars; one submission).

Conditions:
Inborn genetic diseases. Identifiers: MedGen C0950123, MeSH D030342.

Submission:

Ambry Genetics
Classification: Uncertain significance for Inborn genetic diseases. Last evaluated: 2025-02-15. Review status: criteria provided, single submitter. Criteria: Ambry Variant Classification Scheme 2023. Collection method: clinical testing. Allele origin: germline.
Comment: The p.M1369I variant (also known as c.4107G>T), located in coding exon 29 of the ANKRD26 gene, results from a G to T substitution at nucleotide position 4107. The methionine at codon 1369 is replaced by isoleucine, an amino acid with highly similar properties. This amino acid position is conserved. In addition, this alteration is predicted to be tolerated by in silico analysis. Based on the available evidence, the clinical significance of this variant remains unclear.

NM_014915.3(ANKRD26):c.4107G>T (p.Met1369Ile)

Gene: ANKRD26 (ankyrin repeat domain containing 26; minus strand). Cytogenetic location: 10p12.1.
Variant type: single nucleotide variant.
Coding change: c.4107G>T on transcript NM_014915.3 (MANE Select); coding-DNA position 4107, G replaced by T.
Protein change: p.Met1369Ile; replaces methionine 1369 with isoleucine.
Molecular consequence: missense variant.
Genome position (GRCh38, 1-based): chr10:27,022,666, C>A on the plus strand (G>T on the coding strand, the complement: ANKRD26 is on the minus strand). VCF-style: chr10-27022666-C-A. GRCh37 (hg19) VCF-style: chr10-27311595-C-A.
Other names: c.4104G>T, p.Met1368Ile (NM_001256053.2); short protein forms M1369I, M1368I.
Identifiers: ClinVar variation 3871323 (VCV003871323.1).